The following is an entry in ClinVar:

NM_021098.3(CACNA1H):c.4072G>C (p.Ala1358Pro)

Gene: CACNA1H (calcium voltage-gated channel subunit alpha1 H; plus strand). Cytogenetic location: 16p13.3.
Variant type: single nucleotide variant.
Coding change: c.4072G>C on transcript NM_021098.3 (MANE Select); coding-DNA position 4072, G replaced by C.
Protein change: p.Ala1358Pro; replaces alanine 1358 with proline.
Molecular consequence: missense variant.
Genome position (GRCh38, 1-based): chr16:1,210,820, G>C. VCF-style: chr16-1210820-G-C. GRCh37 (hg19) VCF-style: chr16-1260820-G-C.
Other names: c.4072G>C, p.Ala1358Pro (NM_001005407.2); short protein forms A1358P.
Identifiers: ClinVar variation 2921551 (VCV002921551.3), dbSNP rs764727820, ClinGen allele CA394177749.

ClinVar aggregate classification (germline): Uncertain significance (1 of 4 stars; one submission).

Conditions:
Idiopathic generalized epilepsy. Also called: Generalised epilepsy; EIG. Identifiers: MedGen C0270850, MONDO:0005579, OMIM 600669.
Hyperaldosteronism, familial, type IV (HALD4). Also called: FH IV; ALDOSTERONISM, PRIMARY, AND HYPERTENSION. Identifiers: Orphanet 642671, MedGen C4310756, MONDO:0014875, OMIM 617027.

gnomAD v4.1: 1 of 1,603,220 alleles (0.000062%); highest among the groups gnomAD compares: Non-Finnish European, 0.000085%; no homozygotes.

Submission:

Labcorp Genetics (formerly Invitae), Labcorp
Classification: Uncertain significance for Idiopathic generalized epilepsy; Hyperaldosteronism, familial, type IV. Last evaluated: 2023-12-19. Review status: criteria provided, single submitter. Criteria: Invitae Variant Classification Sherloc (09022015). Collection method: clinical testing. Allele origin: germline.
Comment: This sequence change replaces alanine, which is neutral and non-polar, with proline, which is neutral and non-polar, at codon 1358 of the CACNA1H protein (p.Ala1358Pro). This variant is not present in population databases (gnomAD no frequency). This variant has not been reported in the literature in individuals affected with CACNA1H-related conditions. Advanced modeling of protein sequence and biophysical properties (such as structural, functional, and spatial information, amino acid conservation, physicochemical variation, residue mobility, and thermodynamic stability) performed at Invitae indicates that this missense variant is not expected to disrupt CACNA1H protein function with a negative predictive value of 80%. In summary, the available evidence is currently insufficient to determine the role of this variant in disease. Therefore, it has been classified as a Variant of Uncertain Significance.